The following is an entry in ClinVar:

ClinVar aggregate classification (germline): Conflicting classifications of pathogenicity. Review status: criteria provided, conflicting classifications (1 of 4 stars). 2 submissions from 2 submitters: Likely pathogenic (1); Uncertain significance (1). Last evaluated 2026-07-30.

Conditions:
Finnish congenital nephrotic syndrome (NPHS1). Also called: NEPHROTIC SYNDROME, TYPE 1. Identifiers: Orphanet 839, MedGen C0403399, MONDO:0009732, OMIM 256300.

Submissions (2):

Myriad Genetics, Inc.
Classification: Uncertain significance for Finnish congenital nephrotic syndrome. Last evaluated: 2026-07-30. Review status: criteria provided, single submitter. Criteria: Myriad Autosomal Dominant, Autosomal Recessive and X-Linked Classification Criteria (2023). Collection method: clinical testing. Allele origin: unknown.
Comment: NM_004646.3(NPHS1):c.397+3A>G is an intronic variant classified as a variant of uncertain significance in the context of nephrotic syndrome, NPHS1-related. c.397+3A>G has been observed in a case with relevant disease (PMID: 29869118). Relevant functional assessments of this variant are not available in the literature. c.397+3A>G has not been observed in referenced population frequency databases. In summary, there is insufficient evidence to classify NM_004646.3(NPHS1):c.397+3A>G as pathogenic or benign. Please note: this variant was assessed in the context of healthy population screening.

Molecular Genetics Laboratory, Motol Hospital
Classification: Likely pathogenic for Finnish congenital nephrotic syndrome. Last evaluated: 2024-11-20. Review status: criteria provided, single submitter. Criteria: ACMG Guidelines, 2015. Collection method: clinical testing. Allele origin: paternal. Affected: yes. Observed: 1 variant allele.
Comment: The reported variant c.397+3A>G is predicted to disrupt splice region on the borderline of exon 3 and intron3 of the NPHS1 gene. The pathogenic/likely pathogenic variants affecting the NPHS1 gene are well documented as a molecular cause of autosomal recessive "nephrotic syndrome, type 1" (OMIM:256300) (PMID:22732337;23595123;11317351;29869118). To conclude, the variant is classified as likely pathogenic (ACMG PM2, PM3, PP3).

Literature cited by the submitters: PubMed 29869118 (cited by Myriad Genetics, Inc. and Molecular Genetics Laboratory, Motol Hospital); PubMed 22732337 (cited by Molecular Genetics Laboratory, Motol Hospital); PubMed 23595123 (cited by Molecular Genetics Laboratory, Motol Hospital); PubMed 11317351 (cited by Molecular Genetics Laboratory, Motol Hospital).

NM_004646.4(NPHS1):c.397+3A>G

Gene: NPHS1 (NPHS1 adhesion molecule, nephrin; minus strand). Cytogenetic location: 19q13.12.
Variant type: single nucleotide variant.
Coding change: c.397+3A>G on transcript NM_004646.4 (MANE Select); 3 bases into the intron after coding-DNA position 397, A replaced by G.
Molecular consequence: intron variant.
Genome position (GRCh38, 1-based): chr19:35,851,259, T>C on the plus strand (A>G on the coding strand, the complement: NPHS1 is on the minus strand). VCF-style: chr19-35851259-T-C. GRCh37 (hg19) VCF-style: chr19-36342161-T-C.
Identifiers: ClinVar variation 3378405 (VCV003378405.3).